The following is an entry in ClinVar:

ClinVar aggregate classification (germline): Likely benign. Review status: criteria provided, single submitter (1 of 4 stars). 2 submissions from 2 submitters: Likely benign (1). 1 of the submissions does not count toward it. Last evaluated 2025-06-10.

Conditions:
PCNT-related disorder. Also called: PCNT-related condition.

Allele frequency attached by ClinVar (database versions not stated): TOPMed 0.00012; gnomAD exomes 0.00001 and 0.00004; ExAC 0.00005; gnomAD 0.00010 and 0.00011; ESP Exome Variant Server 0.00023.
gnomAD v4.1: 28 of 1,614,124 alleles (0.0017%); highest among the groups gnomAD compares: African/African-American, 0.027%; no homozygotes.

Submissions (2):

Labcorp Genetics (formerly Invitae), Labcorp
Classification: Likely benign. Last evaluated: 2025-06-10. Review status: criteria provided, single submitter. Criteria: Invitae Variant Classification Sherloc (09022015). Collection method: clinical testing. Allele origin: germline.

PreventionGenetics, part of Exact Sciences
Classification: Likely benign for PCNT-related condition. Last evaluated: 2019-07-30. Review status: no assertion criteria provided. Collection method: clinical testing. Allele origin: germline. Not counted in ClinVar's aggregate classification.
Comment: This variant is classified as likely benign based on ACMG/AMP sequence variant interpretation guidelines (Richards et al. 2015 PMID: 25741868, with internal and published modifications).

NM_006031.6(PCNT):c.7755G>A (p.Leu2585=)

Gene: PCNT (pericentrin; plus strand). Cytogenetic location: 21q22.3.
Variant type: single nucleotide variant.
Coding change: c.7755G>A on transcript NM_006031.6 (MANE Select); coding-DNA position 7755, G replaced by A.
Protein change: p.Leu2585=; no amino-acid change (leucine 2585 retained).
Molecular consequence: synonymous variant.
Genome position (GRCh38, 1-based): chr21:46,430,074, G>A. VCF-style: chr21-46430074-G-A. GRCh37 (hg19) VCF-style: chr21-47849988-G-A.
Other names: c.7755G>A (NM_006031.5); c.7401G>A, p.Leu2467= (NM_001315529.2).
Identifiers: ClinVar variation 1565323 (VCV001565323.10), dbSNP rs144026961, ClinGen allele CA10080787.
Genomic context (GRCh38, chr21:46,430,074, plus strand): 5'-ACTGCTGGCTTATAAAGTAGAGCAGGAGAAGTGCATTGCTGGTGACTTGCAGAAGACGCT[G>A]AGTGAAGAGCAAGAGAAGGCAAACAGCGTGCAGAAGCTCCTGGCGGCGGAGCAGACTGTA-3'
Protein context (NP_006022.3, residues 2575-2595): KCIAGDLQKT[Leu2585=]SEEQEKANSV